The following is an entry in ClinVar:

NM_006946.4(SPTBN2):c.3247C>T (p.Arg1083Cys)

Gene: SPTBN2 (spectrin beta, non-erythrocytic 2; minus strand). Cytogenetic location: 11q13.2.
Variant type: single nucleotide variant.
Coding change: c.3247C>T on transcript NM_006946.4 (MANE Select); coding-DNA position 3247, C replaced by T.
Protein change: p.Arg1083Cys; replaces arginine 1083 with cysteine.
Molecular consequence: missense variant.
Genome position (GRCh38, 1-based): chr11:66,700,852, G>A on the plus strand (C>T on the coding strand, the complement: SPTBN2 is on the minus strand). VCF-style: chr11-66700852-G-A. GRCh37 (hg19) VCF-style: chr11-66468323-G-A.
Other names: c.3268C>T, p.Arg1090Cys (NM_001411025.1); short protein forms R1083C, R1090C.
Identifiers: ClinVar variation 2903218 (VCV002903218.4), dbSNP rs1427530674, ClinGen allele CA381475313.

ClinVar aggregate classification (germline): Uncertain significance. Review status: criteria provided, multiple submitters, no conflicts (2 of 4 stars). 2 submissions from 2 submitters: Uncertain significance (2). Last evaluated 2023-10-03.

Allele frequency attached by ClinVar (database versions not stated): TOPMed 0.00001.
gnomAD v4.1: 14 of 1,599,984 alleles (0.00088%); highest among the groups gnomAD compares: South Asian, 0.0088%; no homozygotes.

Submissions (2):

Labcorp Genetics (formerly Invitae), Labcorp
Classification: Uncertain significance. Last evaluated: 2023-10-03. Review status: criteria provided, single submitter. Criteria: Invitae Variant Classification Sherloc (09022015). Collection method: clinical testing. Allele origin: germline.
Comment: This sequence change replaces arginine, which is basic and polar, with cysteine, which is neutral and slightly polar, at codon 1083 of the SPTBN2 protein (p.Arg1083Cys). The frequency data for this variant in the population databases is considered unreliable, as metrics indicate poor data quality at this position in the gnomAD database. This variant has not been reported in the literature in individuals affected with SPTBN2-related conditions. Advanced modeling of protein sequence and biophysical properties (such as structural, functional, and spatial information, amino acid conservation, physicochemical variation, residue mobility, and thermodynamic stability) performed at Invitae indicates that this missense variant is not expected to disrupt SPTBN2 protein function. In summary, the available evidence is currently insufficient to determine the role of this variant in disease. Therefore, it has been classified as a Variant of Uncertain Significance.

Blueprint Genetics
Classification: Uncertain significance. Last evaluated: 2023-05-04. Review status: criteria provided, single submitter. Criteria: ACMG Guidelines, 2015. Collection method: clinical testing. Allele origin: germline.